The following is an entry in ClinVar:

ClinVar aggregate classification (germline): Conflicting classifications of pathogenicity. Review status: criteria provided, conflicting classifications (1 of 4 stars). 4 submissions from 4 submitters: Uncertain significance (1); Likely benign (3). Last evaluated 2025-12-16.

Conditions:
SMARCA4-related disorder. Also called: SMARCA4-related condition.
Hereditary cancer-predisposing syndrome. Also called: Neoplastic Syndromes, Hereditary; Hereditary Cancer Syndrome; Tumor predisposition; Hereditary neoplastic syndrome. Identifiers: Orphanet 140162, MedGen C0027672, MeSH D009386, MONDO:0015356.
Rhabdoid tumor predisposition syndrome 2 (RTPS2). Identifiers: Orphanet 231108, Orphanet 69077, MedGen C2750074, MONDO:0013224, OMIM 613325.

gnomAD v4.1: 12 of 1,593,752 alleles (0.00075%); highest among the groups gnomAD compares: South Asian, 0.0023%; no homozygotes.

Submissions (4):

Labcorp Genetics (formerly Invitae), Labcorp
Classification: Likely benign for Rhabdoid tumor predisposition syndrome 2. Last evaluated: 2025-12-16. Review status: criteria provided, single submitter. Criteria: Invitae Variant Classification Sherloc (09022015). Collection method: clinical testing. Allele origin: germline.

PreventionGenetics, part of Exact Sciences
Classification: Likely benign for SMARCA4-related condition. Last evaluated: 2025-05-12. Review status: criteria provided, single submitter. Criteria: ACMG Guidelines, 2015. Collection method: clinical testing. Allele origin: germline.
Comment: This variant is classified as likely benign based on ACMG/AMP sequence variant interpretation guidelines (Richards et al. 2015 PMID: 25741868, with internal and published modifications).

GeneDx
Classification: Uncertain significance. Last evaluated: 2023-05-05. Review status: criteria provided, single submitter. Criteria: GeneDx Variant Classification Process June 2021. Collection method: clinical testing. Allele origin: germline. Affected: yes.
Comment: Not observed at significant frequency in large population cohorts (gnomAD); In silico analysis supports that this variant does not alter splicing; Has not been previously published as pathogenic or benign to our knowledge

Ambry Genetics
Classification: Likely benign for Hereditary cancer-predisposing syndrome. Last evaluated: 2016-09-22. Review status: criteria provided, single submitter. Criteria: Ambry Variant Classification Scheme 2023. Collection method: clinical testing. Allele origin: germline.

NM_001387283.1(SMARCA4):c.4260G>A (p.Ala1420=)

Gene: SMARCA4 (SWI/SNF related BAF chromatin remodeling complex subunit ATPase 4; plus strand). Cytogenetic location: 19p13.2.
Variant type: single nucleotide variant.
Coding change: c.4260G>A on transcript NM_001387283.1 (MANE Plus Clinical); coding-DNA position 4260, G replaced by A.
Protein change: p.Ala1420=; no amino-acid change (alanine 1420 retained).
Molecular consequence: synonymous variant. On other transcripts: intron variant (7).
Genome position (GRCh38, 1-based): chr19:11,039,547, G>A. VCF-style: chr19-11039547-G-A. GRCh37 (hg19) VCF-style: chr19-11150223-G-A.
Other names: c.4260G>A, p.Ala1420= (NM_001128849.3); c.4171-1760G>A (NM_001128844.3, NM_003072.5); c.4072-1760G>A (NM_001128847.4, NM_001374457.1, NM_001128848.2); c.4072-1751G>A (NM_001128845.2, NM_001128846.2).
Identifiers: ClinVar variation 480559 (VCV000480559.18), dbSNP rs1349426835, ClinGen allele CA505493725.
Genomic context (GRCh38, chr19:11,039,547, plus strand): 5'-AGCCAGCAGTGTGGCACGTGGGCTACAATTCCAGCGTGGCCTTCAGTTCTGCACACGTGC[G>A]TCAAAGGTGGGGAGAGTTCTGGTGGTGGGTGGCGCTGAGGGCTGCACAACACTGGGGACG-3'
Protein context (NP_001374212.1, residues 1410-1430): FQRGLQFCTR[Ala1420=]SKAIEEGTLE